The following is an entry in ClinVar:

ClinVar aggregate classification (germline): Uncertain significance (1 of 4 stars; one submission).

Conditions:
Charcot-Marie-Tooth disease axonal type 2L. Also called: Charcot-Marie-Tooth Neuropathy Type 2L; CHARCOT-MARIE-TOOTH DISEASE, AXONAL, AUTOSOMAL DOMINANT, TYPE 2L; CHARCOT-MARIE-TOOTH NEUROPATHY, AXONAL, TYPE 2L. Identifiers: Orphanet 99945, MedGen C1837552, MONDO:0012096, OMIM 608673.

Allele frequency attached by ClinVar (database versions not stated): ExAC 0.00001; gnomAD 0.00001.
gnomAD v4.1: 4 of 1,613,682 alleles (0.00025%); highest among the groups gnomAD compares: Admixed American, 0.0067%; no homozygotes.

Submission:

Labcorp Genetics (formerly Invitae), Labcorp
Classification: Uncertain significance for Charcot-Marie-Tooth disease axonal type 2L. Last evaluated: 2023-10-04. Review status: criteria provided, single submitter. Criteria: Invitae Variant Classification Sherloc (09022015). Collection method: clinical testing. Allele origin: germline.
Comment: This sequence change replaces glycine, which is neutral and non-polar, with aspartic acid, which is acidic and polar, at codon 72 of the HSPB8 protein (p.Gly72Asp). This variant is present in population databases (rs768405176, gnomAD 0.009%). This variant has not been reported in the literature in individuals affected with HSPB8-related conditions. An algorithm developed to predict the effect of missense changes on protein structure and function (PolyPhen-2) suggests that this variant is likely to be tolerated. In summary, the available evidence is currently insufficient to determine the role of this variant in disease. Therefore, it has been classified as a Variant of Uncertain Significance.

NM_014365.3(HSPB8):c.215G>A (p.Gly72Asp)

Gene: HSPB8 (heat shock protein family B (small) member 8; plus strand). Cytogenetic location: 12q24.23.
Variant type: single nucleotide variant.
Coding change: c.215G>A on transcript NM_014365.3 (MANE Select); coding-DNA position 215, G replaced by A.
Protein change: p.Gly72Asp; replaces glycine 72 with aspartic acid.
Molecular consequence: missense variant.
Genome position (GRCh38, 1-based): chr12:119,179,527, G>A. VCF-style: chr12-119179527-G-A. GRCh37 (hg19) VCF-style: chr12-119617332-G-A.
Other names: short protein forms G72D.
Identifiers: ClinVar variation 2763892 (VCV002763892.3), dbSNP rs768405176, ClinGen allele CA6819520.